The following is an entry in ClinVar:

ClinVar aggregate classification (germline): Likely pathogenic (1 of 4 stars; one submission).

Conditions:
Propionic acidemia (PROP). Also called: GLYCINEMIA, KETOTIC; HYPERGLYCINEMIA WITH KETOACIDOSIS AND LEUKOPENIA; KETOTIC HYPERGLYCINEMIA. Identifiers: Orphanet 35, MedGen C0268579, MONDO:0011628, OMIM 606054, HP:0003571.

Submission:

Labcorp Genetics (formerly Invitae), Labcorp
Classification: Likely pathogenic for Propionic acidemia. Last evaluated: 2022-05-16. Review status: criteria provided, single submitter. Criteria: Invitae Variant Classification Sherloc (09022015). Collection method: clinical testing. Allele origin: germline.
Comment: This variant results in the deletion of part of exon 1 (c.77_183+30delinsCC) of the PCCB gene. It is expected to disrupt RNA splicing. Variants that disrupt the donor or acceptor splice site typically lead to a loss of protein function (PMID: 16199547), and loss-of-function variants in PCCB are known to be pathogenic (PMID: 15464417). This variant is not present in population databases (gnomAD no frequency). This variant has not been reported in the literature in individuals affected with PCCB-related conditions. In summary, the currently available evidence indicates that the variant is pathogenic, but additional data are needed to prove that conclusively. Therefore, this variant has been classified as Likely Pathogenic.

Literature cited by the submitters: PubMed 16199547; PubMed 15464417.

NM_000532.5(PCCB):c.77_183+30delinsCC

Gene: PCCB (propionyl-CoA carboxylase subunit beta; plus strand). Cytogenetic location: 3q22.3.
Variant type: Indel.
Coding change: c.77_183+30delinsCC on transcript NM_000532.5 (MANE Select); coding-DNA position 77 through 30 bases into the intron after coding-DNA position 183, the reference bases replaced by CC.
Molecular consequence: splice donor variant.
Genome position (GRCh38, 1-based): chr3:136,250,452-136,250,588, 137 bases replaced. GRCh37 (hg19): chr3:135,969,294-135,969,430.
Other names: c.77_183+30delinsCC (NM_001178014.2).
Identifiers: ClinVar variation 1995198 (VCV001995198.4), dbSNP rs2529731543, ClinGen allele CA2580068821.